The following is an entry in ClinVar:

NM_015884.4(MBTPS2):c.1468A>G (p.Lys490Glu)

Gene: MBTPS2 (membrane bound transcription factor peptidase, site 2; plus strand). Cytogenetic location: Xp22.12.
Variant type: single nucleotide variant.
Coding change: c.1468A>G on transcript NM_015884.4 (MANE Select); coding-DNA position 1468, A replaced by G.
Protein change: p.Lys490Glu; replaces lysine 490 with glutamic acid.
Molecular consequence: missense variant.
Genome position (GRCh38, 1-based): chrX:21,882,563, A>G. VCF-style: chrX-21882563-A-G. GRCh37 (hg19) VCF-style: chrX-21900681-A-G.
Other names: short protein forms K490E.
Identifiers: ClinVar variation 95739 (VCV000095739.8), dbSNP rs398124304, ClinGen allele CA223234.

ClinVar aggregate classification (germline): Uncertain significance. Review status: criteria provided, multiple submitters, no conflicts (2 of 4 stars). 2 submissions from 2 submitters: Uncertain significance (2). Last evaluated 2019-02-28.

Submissions (2):

GeneDx
Classification: Uncertain significance. Last evaluated: 2019-02-28. Review status: criteria provided, single submitter. Criteria: GeneDx Variant Classification Process June 2021. Collection method: clinical testing. Allele origin: germline. Affected: yes.
Comment: Not observed in large population cohorts (Lek et al., 2016); In silico analysis, which includes protein predictors and evolutionary conservation, supports that this variant does not alter protein structure/function; Has not been previously published as pathogenic or benign to our knowledge

Eurofins Ntd Llc (ga)
Classification: Uncertain significance. Last evaluated: 2013-04-09. Review status: criteria provided, single submitter. Criteria: EGL Classification Definitions 2015. Collection method: clinical testing. Allele origin: germline.